The following is an entry in ClinVar:

NM_001129.5(AEBP1):c.3413C>T (p.Ala1138Val)

Gene: AEBP1 (AE binding protein 1; plus strand). Cytogenetic location: 7p13.
Variant type: single nucleotide variant.
Coding change: c.3413C>T on transcript NM_001129.5 (MANE Select); coding-DNA position 3413, C replaced by T.
Protein change: p.Ala1138Val; replaces alanine 1138 with valine.
Molecular consequence: missense variant.
Genome position (GRCh38, 1-based): chr7:44,114,197, C>T. VCF-style: chr7-44114197-C-T. GRCh37 (hg19) VCF-style: chr7-44153796-C-T.
Other names: short protein forms A1138V.
Identifiers: ClinVar variation 4847248 (VCV004847248.1).
Genomic context (GRCh38, chr7:44,114,197, plus strand): 5'-AGACCCAGCTGGAACCCGAGTTTGAGGAAGAGGAGGAGGAGGAGAAAGAGGAGGAGATAG[C>T]CACTGGCCAGGCATTCCCCTTCACAACAGTAGAGACCTACACAGTGAACTTTGGGGACTT-3'
Protein context (NP_001120.3, residues 1128-1148): EEEEEKEEEI[Ala1138Val]TGQAFPFTTV

ClinVar aggregate classification (germline): Uncertain significance (1 of 4 stars; one submission).

Submission:

Women's Health and Genetics/Laboratory Corporation of America, LabCorp
Classification: Uncertain significance. Last evaluated: 2026-03-13. Review status: criteria provided, single submitter. Criteria: LabCorp Variant Classification Summary - May 2015. Collection method: clinical testing. Allele origin: germline.
Comment: Variant summary: AEBP1 c.3413C>T (p.Ala1138Val) results in a non-conservative amino acid change in the encoded protein sequence. Algorithms developed to predict the effect of missense changes on protein structure and function are either unavailable or do not agree on the potential impact of this missense change. The variant was absent in 251278 control chromosomes. The available data on variant occurrences in the general population are insufficient to allow any conclusion about variant significance. To our knowledge, no occurrence of c.3413C>T in individuals affected with AEBP1-related conditions and no experimental evidence demonstrating its impact on protein function have been reported. No submitters have cited clinical-significance assessments for this variant to ClinVar. Based on the evidence outlined above, the variant was classified as uncertain significance.